The following is an entry in ClinVar:

ClinVar aggregate classification (germline): Uncertain significance. Review status: criteria provided, single submitter (1 of 4 stars). 2 submissions from 2 submitters: Uncertain significance (1). 1 of the submissions does not count toward it. Last evaluated 2022-10-14.

Conditions:
Usher syndrome type 2A. Also called: RETINAL DISEASE IN USHER SYNDROME TYPE IIA, MODIFIER OF; USHER SYNDROME, TYPE IIA. Identifiers: Orphanet 231178, Orphanet 886, MedGen C1848634, MONDO:0010169, OMIM 276901.

Allele frequency attached by ClinVar (database versions not stated): gnomAD exomes below 0.00001 and 0.00002; ExAC 0.00002; gnomAD 0.00008 and 0.00009; TOPMed 0.00011; ESP Exome Variant Server 0.00023.
gnomAD v4.1: 16 of 1,612,972 alleles (0.00099%); highest among the groups gnomAD compares: African/African-American, 0.021%; no homozygotes.

Submissions (2):

Labcorp Genetics (formerly Invitae), Labcorp
Classification: Uncertain significance. Last evaluated: 2022-10-14. Review status: criteria provided, single submitter. Criteria: Invitae Variant Classification Sherloc (09022015). Collection method: clinical testing. Allele origin: germline.
Comment: This sequence change replaces serine, which is neutral and polar, with threonine, which is neutral and polar, at codon 224 of the USH2A protein (p.Ser224Thr). This variant is present in population databases (rs142234324, gnomAD 0.02%). This variant has not been reported in the literature in individuals affected with USH2A-related conditions. ClinVar contains an entry for this variant (Variation ID: 1053585). Advanced modeling of protein sequence and biophysical properties (such as structural, functional, and spatial information, amino acid conservation, physicochemical variation, residue mobility, and thermodynamic stability) performed at Invitae indicates that this missense variant is not expected to disrupt USH2A protein function. In summary, the available evidence is currently insufficient to determine the role of this variant in disease. Therefore, it has been classified as a Variant of Uncertain Significance.

Natera, Inc.
Classification: Uncertain significance for Usher syndrome type 2A. Last evaluated: 2020-03-04. Review status: no assertion criteria provided. Collection method: clinical testing. Allele origin: germline. Not counted in ClinVar's aggregate classification.

NM_206933.4(USH2A):c.671G>C (p.Ser224Thr)

Gene: USH2A (usherin; minus strand). Cytogenetic location: 1q41.
Variant type: single nucleotide variant.
Coding change: c.671G>C on transcript NM_206933.4 (MANE Select); coding-DNA position 671, G replaced by C.
Protein change: p.Ser224Thr; replaces serine 224 with threonine.
Molecular consequence: missense variant.
Genome position (GRCh38, 1-based): chr1:216,365,066, C>G on the plus strand (G>C on the coding strand, the complement: USH2A is on the minus strand). VCF-style: chr1-216365066-C-G. GRCh37 (hg19) VCF-style: chr1-216538408-C-G.
Other names: c.671G>C, p.Ser224Thr (NM_007123.6); short protein forms S224T.
Identifiers: ClinVar variation 1053585 (VCV001053585.7), dbSNP rs142234324, ClinGen allele CA1396721.